The following is an entry in ClinVar:

NM_017654.4(SAMD9):c.1741C>T (p.His581Tyr)

Gene: SAMD9 (sterile alpha motif domain containing 9; minus strand). Cytogenetic location: 7q21.2.
Variant type: single nucleotide variant.
Coding change: c.1741C>T on transcript NM_017654.4 (MANE Select); coding-DNA position 1741, C replaced by T.
Protein change: p.His581Tyr; replaces histidine 581 with tyrosine.
Molecular consequence: missense variant.
Genome position (GRCh38, 1-based): chr7:93,104,357, G>A on the plus strand (C>T on the coding strand, the complement: SAMD9 is on the minus strand). VCF-style: chr7-93104357-G-A. GRCh37 (hg19) VCF-style: chr7-92733670-G-A.
Other names: c.1741C>T, p.His581Tyr (NM_001193307.2); short protein forms H581Y.
Identifiers: ClinVar variation 2497762 (VCV002497762.2), dbSNP rs2535359958, ClinGen allele CA368194991.

ClinVar aggregate classification (germline): Uncertain significance. Review status: criteria provided, multiple submitters, no conflicts (2 of 4 stars). 2 submissions from 2 submitters: Uncertain significance (2). Last evaluated 2024-12-26.

Conditions:
Inborn genetic diseases. Identifiers: MedGen C0950123, MeSH D030342.

Allele frequency attached by ClinVar (database versions not stated): gnomAD exomes below 0.00001.
gnomAD v4.1: 2 of 1,613,842 alleles (0.00012%); highest among the groups gnomAD compares: Non-Finnish European, 0.00017%; no homozygotes.

Submissions (2):

Ambry Genetics
Classification: Uncertain significance for Inborn genetic diseases. Last evaluated: 2024-12-26. Review status: criteria provided, single submitter. Criteria: Ambry Variant Classification Scheme 2023. Collection method: clinical testing. Allele origin: germline.
Comment: The p.H581Y variant (also known as c.1741C>T), located in coding exon 1 of the SAMD9 gene, results from a C to T substitution at nucleotide position 1741. The histidine at codon 581 is replaced by tyrosine, an amino acid with similar properties. This amino acid position is conserved. In addition, this alteration is predicted to be tolerated by in silico analysis. Based on the available evidence, the clinical significance of this variant remains unclear.

GeneDx
Classification: Uncertain significance. Last evaluated: 2022-10-05. Review status: criteria provided, single submitter. Criteria: GeneDx Variant Classification Process June 2021. Collection method: clinical testing. Allele origin: germline. Affected: yes.
Comment: Not observed at significant frequency in large population cohorts (gnomAD); In silico analysis supports that this missense variant does not alter protein structure/function; Has not been previously published as pathogenic or benign to our knowledge; This variant is associated with the following publications: (PMID: 28545555)